The following is an entry in ClinVar:

ClinVar aggregate classification (germline): Uncertain significance (1 of 4 stars; one submission).

Conditions:
Koolen-de Vries syndrome (KDVS). Identifiers: Orphanet 96169, MedGen C1864871, MONDO:0012496, OMIM 610443.

Allele frequency attached by ClinVar (database versions not stated): gnomAD exomes below 0.00001.
gnomAD v4.1: 2 of 1,614,200 alleles (0.00012%); highest among the groups gnomAD compares: Non-Finnish European, 0.00017%; no homozygotes.

Submission:

Labcorp Genetics (formerly Invitae), Labcorp
Classification: Uncertain significance for Koolen-de Vries syndrome. Last evaluated: 2022-08-09. Review status: criteria provided, single submitter. Criteria: Invitae Variant Classification Sherloc (09022015). Collection method: clinical testing. Allele origin: germline.
Comment: This sequence change replaces cysteine, which is neutral and slightly polar, with arginine, which is basic and polar, at codon 664 of the KANSL1 protein (p.Cys664Arg). This variant is not present in population databases (gnomAD no frequency). This variant has not been reported in the literature in individuals affected with KANSL1-related conditions. ClinVar contains an entry for this variant (Variation ID: 1494932). Algorithms developed to predict the effect of missense changes on protein structure and function are either unavailable or do not agree on the potential impact of this missense change (SIFT: "Tolerated"; PolyPhen-2: "Possibly Damaging"; Align-GVGD: "Class C0"). In summary, the available evidence is currently insufficient to determine the role of this variant in disease. Therefore, it has been classified as a Variant of Uncertain Significance.

NM_015443.4(KANSL1):c.1990T>C (p.Cys664Arg)

Gene: KANSL1 (KAT8 regulatory NSL complex subunit 1). Cytogenetic location: 17q21.31.
Variant type: single nucleotide variant.
Coding change: c.1990T>C on transcript NM_015443.4 (MANE Select); coding-DNA position 1990, T replaced by C.
Protein change: p.Cys664Arg; replaces cysteine 664 with arginine.
Molecular consequence: missense variant.
Genome position (GRCh38, 1-based): chr17:46,050,563, A>G on the plus strand (T>C on the coding strand, the complement: KANSL1 is on the minus strand). VCF-style: chr17-46050563-A-G. GRCh37 (hg19) VCF-style: chr17-44127929-A-G.
Other names: c.1990T>C, p.Cys664Arg (NM_001193465.2, NM_001193466.2, NM_001379198.1); short protein forms C664R.
Identifiers: ClinVar variation 1494932 (VCV001494932.6), dbSNP rs2146484524, ClinGen allele CA399983897.